The following is an entry in ClinVar:

NM_015374.3(SUN2):c.451T>G (p.Ser151Ala)

Gene: SUN2 (Sad1 and UNC84 domain containing 2; minus strand). Cytogenetic location: 22q13.1.
Variant type: single nucleotide variant.
Coding change: c.451T>G on transcript NM_015374.3 (MANE Select); coding-DNA position 451, T replaced by G.
Protein change: p.Ser151Ala; replaces serine 151 with alanine.
Molecular consequence: missense variant. On other transcripts: intron variant (1).
Genome position (GRCh38, 1-based): chr22:38,750,294, A>C on the plus strand (T>G on the coding strand, the complement: SUN2 is on the minus strand). VCF-style: chr22-38750294-A-C. GRCh37 (hg19) VCF-style: chr22-39146299-A-C.
Other names: c.514T>G, p.Ser172Ala (NM_001199579.2, NM_001394428.1); c.451T>G, p.Ser151Ala (NM_001199580.2, NM_001394427.1, NM_001394431.1 and 9 more transcripts); c.496T>G, p.Ser166Ala (NM_001394429.1, NM_001394430.1); c.361T>G, p.Ser121Ala (NM_001394438.1); c.313T>G, p.Ser105Ala (NM_001394439.1, NM_001394440.1, NM_001394441.1); c.123-1511T>G (NM_001394443.1); short protein forms S105A, S166A, S121A, S151A, S172A.
Identifiers: ClinVar variation 1922653 (VCV001922653.5), dbSNP rs758814971, ClinGen allele CA10235928.

ClinVar aggregate classification (germline): Uncertain significance (1 of 4 stars; one submission).

Conditions:
Emery-Dreifuss muscular dystrophy (EDMD). Also called: Scapuloperoneal syndrome, X-linked (formerly); Humeroperoneal neuromuscular disease, (formerly). Identifiers: Orphanet 261, MedGen C0410189, MONDO:0016830.

Allele frequency attached by ClinVar (database versions not stated): gnomAD exomes 0.00001.
gnomAD v4.1: 4 of 1,613,922 alleles (0.00025%); highest among the groups gnomAD compares: Admixed American, 0.0067%; no homozygotes.

Submission:

Labcorp Genetics (formerly Invitae), Labcorp
Classification: Uncertain significance for Emery-Dreifuss muscular dystrophy. Last evaluated: 2022-08-09. Review status: criteria provided, single submitter. Criteria: Invitae Variant Classification Sherloc (09022015). Collection method: clinical testing. Allele origin: germline.
Comment: In summary, the available evidence is currently insufficient to determine the role of this variant in disease. Therefore, it has been classified as a Variant of Uncertain Significance. Algorithms developed to predict the effect of missense changes on protein structure and function (SIFT, PolyPhen-2, Align-GVGD) all suggest that this variant is likely to be tolerated. This variant has not been reported in the literature in individuals affected with SUN2-related conditions. This variant is present in population databases (rs758814971, gnomAD 0.009%). This sequence change replaces serine, which is neutral and polar, with alanine, which is neutral and non-polar, at codon 151 of the SUN2 protein (p.Ser151Ala).